The following is an entry in ClinVar:

NM_172240.3(POC1B):c.1271T>C (p.Ile424Thr)

Genes: POC1B (POC1 centriolar protein B; minus strand), POC1B-DUSP6 (POC1B-DUSP6 readthrough; minus strand). Cytogenetic location: 12q21.33.
Variant type: single nucleotide variant.
Coding change: c.1271T>C on transcript NM_172240.3 (MANE Select); coding-DNA position 1271, T replaced by C.
Protein change: p.Ile424Thr; replaces isoleucine 424 with threonine.
Molecular consequence: missense variant. On other transcripts: non-coding transcript variant (2).
Genome position (GRCh38, 1-based): chr12:89,425,222, A>G on the plus strand (T>C on the coding strand, the complement: POC1B is on the minus strand). VCF-style: chr12-89425222-A-G. GRCh37 (hg19) VCF-style: chr12-89818999-A-G.
Other names: c.1145T>C, p.Ile382Thr (NM_001199777.2); short protein forms I424T, I382T.
Identifiers: ClinVar variation 1345643 (VCV001345643.5), dbSNP rs757794354, ClinGen allele CA6714220.

ClinVar aggregate classification (germline): Uncertain significance (1 of 4 stars; one submission).

Allele frequency attached by ClinVar (database versions not stated): ExAC 0.00001; gnomAD exomes 0.00001 and below 0.00001.
gnomAD v4.1: 3 of 1,614,132 alleles (0.00019%); highest among the groups gnomAD compares: Non-Finnish European, 0.00025%; no homozygotes.

Submission:

Labcorp Genetics (formerly Invitae), Labcorp
Classification: Uncertain significance. Last evaluated: 2022-02-24. Review status: criteria provided, single submitter. Criteria: Invitae Variant Classification Sherloc (09022015). Collection method: clinical testing. Allele origin: germline.
Comment: This sequence change replaces isoleucine, which is neutral and non-polar, with threonine, which is neutral and polar, at codon 424 of the POC1B protein (p.Ile424Thr). This variant is present in population databases (rs757794354, gnomAD 0.002%). This variant has not been reported in the literature in individuals affected with POC1B-related conditions. Advanced modeling of protein sequence and biophysical properties (such as structural, functional, and spatial information, amino acid conservation, physicochemical variation, residue mobility, and thermodynamic stability) performed at Invitae indicates that this missense variant is not expected to disrupt POC1B protein function. In summary, the available evidence is currently insufficient to determine the role of this variant in disease. Therefore, it has been classified as a Variant of Uncertain Significance.